The following is an entry in ClinVar:

NM_001267550.2(TTN):c.28170C>T (p.Leu9390=)

Gene: TTN (titin; minus strand). Cytogenetic location: 2q31.2.
Variant type: single nucleotide variant.
Coding change: c.28170C>T on transcript NM_001267550.2 (MANE Select); coding-DNA position 28170, C replaced by T.
Protein change: p.Leu9390=; no amino-acid change (leucine 9390 retained).
Molecular consequence: synonymous variant. On other transcripts: intron variant (3).
Genome position (GRCh38, 1-based): chr2:178,711,066, G>A on the plus strand (C>T on the coding strand, the complement: TTN is on the minus strand). VCF-style: chr2-178711066-G-A. GRCh37 (hg19) VCF-style: chr2-179575793-G-A.
Other names: c.27219C>T, p.Leu9073= (NM_001256850.1); c.24438C>T, p.Leu8146= (NM_133378.4); c.13282+27016C>T (NM_003319.4); c.13858+27016C>T (NM_133437.4); c.13657+27016C>T (NM_133432.3).
Identifiers: ClinVar variation 381486 (VCV000381486.20), dbSNP rs149910892, ClinGen allele CA1999651.

ClinVar aggregate classification (germline): Conflicting classifications of pathogenicity. Review status: criteria provided, conflicting classifications (1 of 4 stars). 7 submissions from 7 submitters: Uncertain significance (1); Benign (1); Likely benign (4). 1 of the submissions does not count toward it. Last evaluated 2026-01-18.

Conditions:
Dilated cardiomyopathy 1G (CMD1G). Identifiers: Orphanet 154, MedGen C1858763, MONDO:0011400, OMIM 604145.
Autosomal recessive limb-girdle muscular dystrophy type 2J (LGMDR10). Also called: Limb-girdle muscular dystrophy, type 2J; MUSCULAR DYSTROPHY, LIMB-GIRDLE, AUTOSOMAL RECESSIVE 10. Identifiers: Orphanet 140922, MedGen C1837342, MONDO:0012127, OMIM 608807.
TTN-related disorder. Also called: TTN-related disorders; TTN-related condition; TTN-related disease.

Allele frequency attached by ClinVar (database versions not stated): gnomAD exomes 0.00003 and 0.00008; ESP Exome Variant Server 0.00008; ExAC 0.00012; gnomAD 0.00023 and 0.00026; TOPMed 0.00029; 1000 Genomes Project 0.00060; 1000 Genomes Project 30x 0.00062.
gnomAD v4.1: 79 of 1,576,416 alleles (0.005%); highest among the groups gnomAD compares: African/African-American, 0.093%; no homozygotes.

Submissions (7):

Labcorp Genetics (formerly Invitae), Labcorp
Classification: Likely benign for Dilated cardiomyopathy 1G; Autosomal recessive limb-girdle muscular dystrophy type 2J. Last evaluated: 2026-01-18. Review status: criteria provided, single submitter. Criteria: Invitae Variant Classification Sherloc (09022015). Collection method: clinical testing. Allele origin: germline.

Women's Health and Genetics/Laboratory Corporation of America, LabCorp
Classification: Likely benign. Last evaluated: 2025-07-20. Review status: criteria provided, single submitter. Criteria: LabCorp Variant Classification Summary - May 2015. Collection method: clinical testing. Allele origin: germline.

Molecular Diagnostic Laboratory for Inherited Cardiovascular Disease, Montreal Heart Institute
Classification: Likely benign. Last evaluated: 2025-04-09. Review status: criteria provided, single submitter. Criteria: ACMG Guidelines, 2015. Collection method: clinical testing. Allele origin: germline. Affected: no.
Comment: BS1;BP1;BP6

Blueprint Genetics
Classification: Likely benign. Last evaluated: 2024-05-03. Review status: criteria provided, single submitter. Criteria: ACMG Guidelines, 2015. Collection method: clinical testing. Allele origin: germline.

Eurofins Ntd Llc (ga)
Classification: Uncertain significance. Last evaluated: 2017-11-15. Review status: criteria provided, single submitter. Criteria: EGL Classification Definitions 2015. Collection method: clinical testing. Allele origin: germline. Observed: 1 variant allele, 1 heterozygote.

GeneDx
Classification: Benign. Last evaluated: 2016-04-13. Review status: criteria provided, single submitter. Criteria: GeneDx Variant Classification (06012015). Collection method: clinical testing. Allele origin: germline. Affected: yes.
Comment: This variant is considered likely benign or benign based on one or more of the following criteria: it is a conservative change, it occurs at a poorly conserved position in the protein, it is predicted to be benign by multiple in silico algorithms, and/or has population frequency not consistent with disease.

PreventionGenetics, part of Exact Sciences
Classification: Likely benign for TTN-related condition. Last evaluated: 2019-03-12. Review status: no assertion criteria provided. Collection method: clinical testing. Allele origin: germline. Not counted in ClinVar's aggregate classification.
Comment: This variant is classified as likely benign based on ACMG/AMP sequence variant interpretation guidelines (Richards et al. 2015 PMID: 25741868, with internal and published modifications).